The following is an entry in ClinVar:

NM_032447.5(FBN3):c.6795C>T (p.Asn2265=)

Gene: FBN3 (fibrillin 3; minus strand). Cytogenetic location: 19p13.2.
Variant type: single nucleotide variant.
Coding change: c.6795C>T on transcript NM_032447.5 (MANE Select); coding-DNA position 6795, C replaced by T.
Protein change: p.Asn2265=; no amino-acid change (asparagine 2265 retained).
Molecular consequence: synonymous variant.
Genome position (GRCh38, 1-based): chr19:8,086,285, G>A on the plus strand (C>T on the coding strand, the complement: FBN3 is on the minus strand). VCF-style: chr19-8086285-G-A. GRCh37 (hg19) VCF-style: chr19-8151169-G-A.
Other names: c.6795C>T, p.Asn2265= (NM_001321431.2); c.6795C>T (NM_001321431.1).
Identifiers: ClinVar variation 1562427 (VCV001562427.11), dbSNP rs8102892, ClinGen allele CA9151115.

ClinVar aggregate classification (germline): Benign. Review status: criteria provided, multiple submitters, no conflicts (2 of 4 stars). 3 submissions from 3 submitters: Benign (2). 1 of the submissions does not count toward it. Last evaluated 2026-02-01.

Conditions:
FBN3-related disorder. Also called: FBN3-related condition.

Allele frequency attached by ClinVar (database versions not stated): gnomAD exomes 0.00406 and 0.01072; gnomAD 0.03767 and 0.04053; 1000 Genomes Project 30x 0.04731; 1000 Genomes Project 0.04393; ESP Exome Variant Server 0.04429; ExAC 0.01324; TOPMed 0.04275.
gnomAD v4.1: 11,914 of 1,612,238 alleles (0.74%); highest among the groups gnomAD compares: African/African-American, 13%; 677 homozygotes.

Submissions (3):

Labcorp Genetics (formerly Invitae), Labcorp
Classification: Benign. Last evaluated: 2026-02-01. Review status: criteria provided, single submitter. Criteria: Invitae Variant Classification Sherloc (09022015). Collection method: clinical testing. Allele origin: germline.

Breakthrough Genomics
Classification: Benign. Review status: criteria provided, single submitter. Criteria: ACMG Guidelines, 2015. Collection method: not provided. Allele origin: germline. Inheritance: Unknown mechanism. Affected: yes.

PreventionGenetics, part of Exact Sciences
Classification: Benign for FBN3-related condition. Last evaluated: 2019-02-19. Review status: no assertion criteria provided. Collection method: clinical testing. Allele origin: germline. Not counted in ClinVar's aggregate classification.
Comment: This variant is classified as benign based on ACMG/AMP sequence variant interpretation guidelines (Richards et al. 2015 PMID: 25741868, with internal and published modifications).